The following is an entry in ClinVar:

ClinVar aggregate classification (germline): Likely benign. Review status: criteria provided, multiple submitters, no conflicts (2 of 4 stars). 3 submissions from 3 submitters: Likely benign (3). Last evaluated 2026-01-18.

Conditions:
CEP250-related disorder. Also called: CEP250-related condition.

Allele frequency attached by ClinVar (database versions not stated): gnomAD 0.00003 and 0.00004; gnomAD exomes 0.00014 and 0.00027; TOPMed 0.00016; ExAC 0.00026.

Submissions (3):

Labcorp Genetics (formerly Invitae), Labcorp
Classification: Likely benign. Last evaluated: 2026-01-18. Review status: criteria provided, single submitter. Criteria: Invitae Variant Classification Sherloc (09022015). Collection method: clinical testing. Allele origin: germline.

PreventionGenetics, part of Exact Sciences
Classification: Likely benign for CEP250-related condition. Last evaluated: 2025-11-03. Review status: criteria provided, single submitter. Criteria: ACMG Guidelines, 2015. Collection method: clinical testing. Allele origin: germline.
Comment: This variant is classified as likely benign based on ACMG/AMP sequence variant interpretation guidelines (Richards et al. 2015 PMID: 25741868, with internal and published modifications).

Blueprint Genetics
Classification: Likely benign. Last evaluated: 2023-02-01. Review status: criteria provided, single submitter. Criteria: ACMG Guidelines, 2015. Collection method: clinical testing. Allele origin: germline.

NM_007186.6(CEP250):c.1706C>T (p.Ala569Val)

Genes: CEP250 (centrosomal protein 250; plus strand), CEP250-AS1 (CEP250 antisense RNA 1; minus strand). Cytogenetic location: 20q11.22.
Variant type: single nucleotide variant.
Coding change: c.1706C>T on transcript NM_007186.6 (MANE Select); coding-DNA position 1706, C replaced by T.
Protein change: p.Ala569Val; replaces alanine 569 with valine.
Molecular consequence: missense variant. On other transcripts: 5 prime UTR variant (1).
Genome position (GRCh38, 1-based): chr20:35,475,636, C>T. VCF-style: chr20-35475636-C-T. GRCh37 (hg19) VCF-style: chr20-34063461-C-T.
Other names: c.1706C>T (NM_007186.5); c.-194C>T (NM_001318219.1); short protein forms A569V.
Identifiers: ClinVar variation 1131113 (VCV001131113.11), dbSNP rs780173303, ClinGen allele CA9832990.